The following is an entry in ClinVar:

NM_001386135.1(AFF3):c.1368C>T (p.Pro456=)

Gene: AFF3 (ALF transcription elongation factor 3; minus strand). Cytogenetic location: 2q11.2.
Variant type: single nucleotide variant.
Coding change: c.1368C>T on transcript NM_001386135.1 (MANE Select); coding-DNA position 1368, C replaced by T.
Protein change: p.Pro456=; no amino-acid change (proline 456 retained).
Molecular consequence: synonymous variant.
Genome position (GRCh38, 1-based): chr2:99,601,438, G>A on the plus strand (C>T on the coding strand, the complement: AFF3 is on the minus strand). VCF-style: chr2-99601438-G-A. GRCh37 (hg19) VCF-style: chr2-100217900-G-A.
Other names: c.1443C>T, p.Pro481= (NM_001025108.2); c.1368C>T, p.Pro456= (NM_002285.3).
Identifiers: ClinVar variation 3051733 (VCV003051733.2), dbSNP rs200146886, ClinGen allele CA1801163.

ClinVar aggregate classification (germline): Likely benign (0 of 4 stars; one submission).

Conditions:
AFF3-related disorder. Also called: AFF3-related condition.

Allele frequency attached by ClinVar (database versions not stated): ExAC 0.00004; TOPMed 0.00004; gnomAD 0.00005; 1000 Genomes Project 30x 0.00031; 1000 Genomes Project 0.00040.
gnomAD v4.1: 59 of 1,603,810 alleles (0.0037%); highest among the groups gnomAD compares: Middle Eastern, 0.083%; no homozygotes.

Submission:

PreventionGenetics, part of Exact Sciences
Classification: Likely benign for AFF3-related condition. Last evaluated: 2019-02-28. Review status: no assertion criteria provided. Collection method: clinical testing. Allele origin: germline.
Comment: This variant is classified as likely benign based on ACMG/AMP sequence variant interpretation guidelines (Richards et al. 2015 PMID: 25741868, with internal and published modifications).